The following is an entry in ClinVar:

NM_005050.4(ABCD4):c.1009G>A (p.Val337Met)

Gene: ABCD4 (ATP binding cassette subfamily D member 4; minus strand). Cytogenetic location: 14q24.3.
Variant type: single nucleotide variant.
Coding change: c.1009G>A on transcript NM_005050.4 (MANE Select); coding-DNA position 1009, G replaced by A.
Protein change: p.Val337Met; replaces valine 337 with methionine.
Molecular consequence: missense variant. On other transcripts: non-coding transcript variant (10).
Genome position (GRCh38, 1-based): chr14:74,292,570, C>T on the plus strand (G>A on the coding strand, the complement: ABCD4 is on the minus strand). VCF-style: chr14-74292570-C-T. GRCh37 (hg19) VCF-style: chr14-74759273-C-T.
Other names: c.883G>A, p.Val295Met (NM_001353591.2, NM_001353592.2); c.748G>A, p.Val250Met (NM_001353593.2); c.697G>A, p.Val233Met (NM_001353594.2); c.595G>A, p.Val199Met (NM_001353595.2, NM_001353596.2); c.544G>A, p.Val182Met (NM_001353597.2); c.532G>A, p.Val178Met (NM_001353598.2, NM_001353599.2, NM_001353600.2 and 2 more transcripts); c.220G>A, p.Val74Met (NM_001353602.2, NM_001353603.2, NM_001353604.2 and 6 more transcripts); c.880G>A, p.Val294Met (NM_020323.1); and 1 more; short protein forms V178M, V182M, V199M, V233M, V250M, V294M, V295M, V337M.
Identifiers: ClinVar variation 1721409 (VCV001721409.5), dbSNP rs2505481965, ClinGen allele CA390383038.

ClinVar aggregate classification (germline): Uncertain significance (1 of 4 stars; one submission).

Conditions:
Methylmalonic acidemia with homocystinuria, type cblJ (MAHCJ). Also called: METHYLMALONIC ACIDURIA AND HOMOCYSTINURIA, cblJ TYPE. Identifiers: Orphanet 369955, MedGen C3553915, MONDO:0013925, OMIM 614857.

gnomAD v4.1: 1 of 1,614,052 alleles (0.000062%); no homozygotes.

Submission:

Labcorp Genetics (formerly Invitae), Labcorp
Classification: Uncertain significance for Methylmalonic acidemia with homocystinuria, type cblJ. Last evaluated: 2022-10-10. Review status: criteria provided, single submitter. Criteria: Invitae Variant Classification Sherloc (09022015). Collection method: clinical testing. Allele origin: germline.
Comment: In summary, the available evidence is currently insufficient to determine the role of this variant in disease. Therefore, it has been classified as a Variant of Uncertain Significance. Algorithms developed to predict the effect of missense changes on protein structure and function are either unavailable or do not agree on the potential impact of this missense change (SIFT: "Deleterious"; PolyPhen-2: "Benign"; Align-GVGD: "Class C0"). This variant has not been reported in the literature in individuals affected with ABCD4-related conditions. This variant is not present in population databases (gnomAD no frequency). This sequence change replaces valine, which is neutral and non-polar, with methionine, which is neutral and non-polar, at codon 337 of the ABCD4 protein (p.Val337Met).